The following is an entry in ClinVar:

NM_001110556.2(FLNA):c.323C>T (p.Ser108Leu)

Gene: FLNA (filamin A; minus strand). Cytogenetic location: Xq28.
Variant type: single nucleotide variant.
Coding change: c.323C>T on transcript NM_001110556.2 (MANE Select); coding-DNA position 323, C replaced by T.
Protein change: p.Ser108Leu; replaces serine 108 with leucine.
Molecular consequence: missense variant.
Genome position (GRCh38, 1-based): chrX:154,370,923, G>A on the plus strand (C>T on the coding strand, the complement: FLNA is on the minus strand). VCF-style: chrX-154370923-G-A. GRCh37 (hg19) VCF-style: chrX-153599291-G-A.
Other names: c.323C>T, p.Ser108Leu (NM_001456.4); short protein forms S108L.
Identifiers: ClinVar variation 2945222 (VCV002945222.3), dbSNP rs2522771305, ClinGen allele CA415254362.

ClinVar aggregate classification (germline): Uncertain significance (1 of 4 stars; one submission).

Conditions:
Oto-palato-digital syndrome, type II (OPD2). Also called: FACIOPALATOOSSEOUS SYNDROME; OPD II SYNDROME; Otopalatodigital Syndrome, Type II; Otopalatodigital Syndrome Type 2 (FLNA-OPD2). Identifiers: Orphanet 669, Orphanet 90652, MedGen C1844696, MONDO:0010571, OMIM 304120.
Heterotopia, periventricular, X-linked dominant (PVNH1). Also called: PERIVENTRICULAR NODULAR HETEROTOPIA 1; X-linked periventricular heterotopia; PERIVENTRICULAR NODULAR HETEROTOPIA 4; HETEROTOPIA, PERIVENTRICULAR, 1. Identifiers: Orphanet 2149, Orphanet 82004, MedGen C1848213, MONDO:0010233, OMIM 300049.
Frontometaphyseal dysplasia (FMD1). Identifiers: Orphanet 1826, MedGen C0265293, MONDO:0015942.
Melnick-Needles syndrome (MNS). Also called: MELNICK-NEEDLES OSTEODYSPLASTY; OSTEODYSPLASTY OF MELNICK AND NEEDLES; Melnick-Needles Syndrome (FLNA-MNS). Identifiers: Orphanet 2484, MedGen C0025237, MONDO:0010650, OMIM 309350.

Submission:

Labcorp Genetics (formerly Invitae), Labcorp
Classification: Uncertain significance for Oto-palato-digital syndrome, type II; Heterotopia, periventricular, X-linked dominant; Frontometaphyseal dysplasia; Melnick-Needles syndrome. Last evaluated: 2023-10-03. Review status: criteria provided, single submitter. Criteria: Invitae Variant Classification Sherloc (09022015). Collection method: clinical testing. Allele origin: germline.
Comment: This sequence change replaces serine, which is neutral and polar, with leucine, which is neutral and non-polar, at codon 108 of the FLNA protein (p.Ser108Leu). This variant is not present in population databases (gnomAD no frequency). This variant has not been reported in the literature in individuals affected with FLNA-related conditions. Advanced modeling of protein sequence and biophysical properties (such as structural, functional, and spatial information, amino acid conservation, physicochemical variation, residue mobility, and thermodynamic stability) has been performed at Invitae for this missense variant, however the output from this modeling did not meet the statistical confidence thresholds required to predict the impact of this variant on FLNA protein function. In summary, the available evidence is currently insufficient to determine the role of this variant in disease. Therefore, it has been classified as a Variant of Uncertain Significance.